The following is an entry in ClinVar:

ClinVar aggregate classification (germline): Uncertain significance (1 of 4 stars; one submission).

Conditions:
Charcot-Marie-Tooth disease axonal type 2O. Also called: CHARCOT-MARIE-TOOTH NEUROPATHY, AXONAL, TYPE 2O; CHARCOT-MARIE-TOOTH DISEASE, AXONAL, AUTOSOMAL DOMINANT, TYPE 2O; Charcot-Marie-Tooth Neuropathy Type 2O; Charcot-Marie-Tooth disease, axonal, type 20. Identifiers: Orphanet 284232, MedGen C3280220, MONDO:0013644, OMIM 614228.

Allele frequency attached by ClinVar (database versions not stated): gnomAD exomes below 0.00001 and 0.00001.
gnomAD v4.1: 3 of 1,614,238 alleles (0.00019%); highest among the groups gnomAD compares: Admixed American, 0.0033%; no homozygotes.

Submission:

Labcorp Genetics (formerly Invitae), Labcorp
Classification: Uncertain significance for Charcot-Marie-Tooth disease axonal type 2O. Last evaluated: 2020-10-27. Review status: criteria provided, single submitter. Criteria: Invitae Variant Classification Sherloc (09022015). Collection method: clinical testing. Allele origin: germline.
Comment: This sequence change replaces methionine with leucine at codon 2615 of the DYNC1H1 protein (p.Met2615Leu). The methionine residue is highly conserved and there is a small physicochemical difference between methionine and leucine. In summary, the available evidence is currently insufficient to determine the role of this variant in disease. Therefore, it has been classified as a Variant of Uncertain Significance. Advanced modeling of protein sequence and biophysical properties (such as structural, functional, and spatial information, amino acid conservation, physicochemical variation, residue mobility, and thermodynamic stability) performed at Invitae indicates that this missense variant is not expected to disrupt DYNC1H1 protein function. This variant has not been reported in the literature in individuals with DYNC1H1-related conditions. This variant is not present in population databases (ExAC no frequency).

NM_001376.5(DYNC1H1):c.7843A>C (p.Met2615Leu)

Gene: DYNC1H1 (dynein cytoplasmic 1 heavy chain 1; plus strand). Cytogenetic location: 14q32.31.
Variant type: single nucleotide variant.
Coding change: c.7843A>C on transcript NM_001376.5 (MANE Select); coding-DNA position 7843, A replaced by C.
Protein change: p.Met2615Leu; replaces methionine 2615 with leucine.
Molecular consequence: missense variant.
Genome position (GRCh38, 1-based): chr14:102,016,994, A>C. VCF-style: chr14-102016994-A-C. GRCh37 (hg19) VCF-style: chr14-102483331-A-C.
Other names: short protein forms M2615L.
Identifiers: ClinVar variation 1006370 (VCV001006370.8), dbSNP rs1207825074, ClinGen allele CA391003214.